The following is an entry in ClinVar:

NM_005612.5(REST):c.3063C>A (p.Asp1021Glu)

Gene: REST (RE1 silencing transcription factor; plus strand). Cytogenetic location: 4q12.
Variant type: single nucleotide variant.
Coding change: c.3063C>A on transcript NM_005612.5 (MANE Select); coding-DNA position 3063, C replaced by A.
Protein change: p.Asp1021Glu; replaces aspartic acid 1021 with glutamic acid.
Molecular consequence: missense variant.
Genome position (GRCh38, 1-based): chr4:56,931,921, C>A. VCF-style: chr4-56931921-C-A. GRCh37 (hg19) VCF-style: chr4-57798087-C-A.
Other names: c.3063C>A, p.Asp1021Glu (NM_001193508.2, NM_001363453.3); short protein forms D1021E.
Identifiers: ClinVar variation 3359380 (VCV003359380.1).

ClinVar aggregate classification (germline): Uncertain significance (1 of 4 stars; one submission).

Submission:

GeneDx
Classification: Uncertain significance. Last evaluated: 2023-06-06. Review status: criteria provided, single submitter. Criteria: GeneDx Variant Classification Process June 2021. Collection method: clinical testing. Allele origin: germline. Affected: yes.
Comment: Not observed at significant frequency in large population cohorts (gnomAD); In silico analysis supports that this missense variant does not alter protein structure/function; Has not been previously published as pathogenic or benign to our knowledge